The following is an entry in ClinVar:

NM_001349798.2(FBXW7):c.1300A>G (p.Ile434Val)

Gene: FBXW7 (F-box and WD repeat domain containing 7; minus strand). Cytogenetic location: 4q31.3.
Variant type: single nucleotide variant.
Coding change: c.1300A>G on transcript NM_001349798.2 (MANE Select); coding-DNA position 1300, A replaced by G.
Protein change: p.Ile434Val; replaces isoleucine 434 with valine.
Molecular consequence: missense variant.
Genome position (GRCh38, 1-based): chr4:152,328,326, T>C on the plus strand (A>G on the coding strand, the complement: FBXW7 is on the minus strand). VCF-style: chr4-152328326-T-C. GRCh37 (hg19) VCF-style: chr4-153249478-T-C.
Other names: c.946A>G, p.Ile316Val (NM_001013415.2); c.1060A>G, p.Ile354Val (NM_018315.5); c.1300A>G, p.Ile434Val (NM_033632.3); short protein forms I316V, I354V, I434V.
Identifiers: ClinVar variation 1723491 (VCV001723491.2), dbSNP rs2126515172, ClinGen allele CA358618964.

ClinVar aggregate classification (germline): Uncertain significance (1 of 4 stars; one submission).

Submission:

GeneDx
Classification: Uncertain significance. Last evaluated: 2022-05-11. Review status: criteria provided, single submitter. Criteria: GeneDx Variant Classification Process June 2021. Collection method: clinical testing. Allele origin: germline. Affected: yes.
Comment: Not observed at significant frequency in large population cohorts (gnomAD); In silico analysis supports that this missense variant does not alter protein structure/function; Has not been previously published as pathogenic or benign to our knowledge